The following is an entry in ClinVar:

NC_000023.10:g.(?_31947853)_(32089139_?)del

Gene: DMD (dystrophin; minus strand). Cytogenetic location: Xp21.1.
Variant type: Deletion.
Identifiers: ClinVar variation 2425003 (VCV002425003.5).

ClinVar aggregate classification (germline): Pathogenic (1 of 4 stars; one submission).

Conditions:
Duchenne muscular dystrophy (DMD). Also called: Duchenne Muscular Dystrophy (DMD); MUSCULAR DYSTROPHY, PSEUDOHYPERTROPHIC PROGRESSIVE, DUCHENNE TYPE. Identifiers: Orphanet 98896, MedGen C0013264, MONDO:0010679, OMIM 310200.

Submission:

Labcorp Genetics (formerly Invitae), Labcorp
Classification: Pathogenic for Duchenne muscular dystrophy. Last evaluated: 2022-07-03. Review status: criteria provided, single submitter. Criteria: Invitae Variant Classification Sherloc (09022015). Collection method: clinical testing. Allele origin: germline.
Comment: For these reasons, this variant has been classified as Pathogenic. This variant disrupts a region of the DMD protein in which other variant(s) (deletion of exons 45-46) have been determined to be pathogenic (PMID: 2063877, 15723292, 21851881, 25244321). This suggests that this is a clinically significant region of the protein, and that variants that disrupt it are likely to be disease-causing. This variant has not been reported in the literature in individuals affected with DMD-related conditions. This variant results in the deletion of exons 45-46 and part of exon 47 (c.6439-102508_6772del) of the DMD gene. It is expected to disrupt RNA splicing. Variants that disrupt the donor or acceptor splice site typically lead to a loss of protein function (PMID: 16199547), and loss-of-function variants in DMD are known to be pathogenic (PMID: 16770791, 25007885).

Literature cited by the submitters: PubMed 2063877; PubMed 15723292; PubMed 21851881; PubMed 25244321; PubMed 16199547; PubMed 16770791; PubMed 25007885.